The following is an entry in ClinVar:

NM_030958.3(SLCO5A1):c.1623A>G (p.Gly541=)

Gene: SLCO5A1 (solute carrier organic anion transporter family member 5A1; minus strand). Cytogenetic location: 8q13.3.
Variant type: single nucleotide variant.
Coding change: c.1623A>G on transcript NM_030958.3 (MANE Select); coding-DNA position 1623, A replaced by G.
Protein change: p.Gly541=; no amino-acid change (glycine 541 retained).
Molecular consequence: synonymous variant.
Genome position (GRCh38, 1-based): chr8:69,682,343, T>C on the plus strand (A>G on the coding strand, the complement: SLCO5A1 is on the minus strand). VCF-style: chr8-69682343-T-C. GRCh37 (hg19) VCF-style: chr8-70594578-T-C.
Other names: c.1623A>G, p.Gly541= (NM_001146008.2); c.1458A>G, p.Gly486= (NM_001146009.1).
Identifiers: ClinVar variation 3661095 (VCV003661095.2).

ClinVar aggregate classification (germline): Uncertain significance (1 of 4 stars; one submission).

Submission:

Labcorp Genetics (formerly Invitae), Labcorp
Classification: Uncertain significance. Last evaluated: 2024-08-06. Review status: criteria provided, single submitter. Criteria: Invitae Variant Classification Sherloc (09022015). Collection method: clinical testing. Allele origin: germline.
Comment: This sequence change affects codon 541 of the SLCO5A1 mRNA. It is a 'silent' change, meaning that it does not change the encoded amino acid sequence of the SLCO5A1 protein. It affects a nucleotide within the consensus splice site. This variant is not present in population databases (gnomAD no frequency). This variant has not been reported in the literature in individuals affected with SLCO5A1-related conditions. Algorithms developed to predict the effect of sequence changes on RNA splicing suggest that this variant is not likely to affect RNA splicing. In summary, the available evidence is currently insufficient to determine the role of this variant in disease. Therefore, it has been classified as a Variant of Uncertain Significance.